The following is an entry in ClinVar:

NM_006996.3(SLC19A2):c.*967A>G

Gene: SLC19A2 (solute carrier family 19 member 2; minus strand). Cytogenetic location: 1q24.2.
Variant type: single nucleotide variant.
Coding change: c.*967A>G on transcript NM_006996.3 (MANE Select); 967 bases downstream of the stop codon, A replaced by G.
Molecular consequence: 3 prime UTR variant.
Genome position (GRCh38, 1-based): chr1:169,464,882, T>C on the plus strand (A>G on the coding strand, the complement: SLC19A2 is on the minus strand). VCF-style: chr1-169464882-T-C. GRCh37 (hg19) VCF-style: chr1-169434120-T-C.
Other names: c.*967A>G (NM_001319667.1).
Identifiers: ClinVar variation 293513 (VCV000293513.7), dbSNP rs16862199, ClinGen allele CA10608263.

ClinVar aggregate classification (germline): Benign. Review status: criteria provided, multiple submitters, no conflicts (2 of 4 stars). 2 submissions from 2 submitters: Benign (2). Last evaluated 2018-01-12.

Conditions:
Megaloblastic anemia, thiamine-responsive, with diabetes mellitus and sensorineural deafness (TRMA). Also called: THIAMINE METABOLISM DYSFUNCTION SYNDROME 1 (MEGALOBLASTIC ANEMIA, DIABETES MELLITUS, AND DEAFNESS TYPE); ROGERS SYNDROME; THIAMINE-RESPONSIVE ANEMIA SYNDROME; THIAMINE-RESPONSIVE MYELODYSPLASIA; Thiamine-Responsive Megaloblastic Anemia Syndrome. Identifiers: Orphanet 49827, MedGen C0342287, MONDO:0009575, OMIM 249270.

Allele frequency attached by ClinVar (database versions not stated): gnomAD exomes 0.19953; gnomAD 0.23582 and 0.24080; 1000 Genomes Project 0.24081; 1000 Genomes Project 30x 0.24344; TOPMed 0.24829.

Submissions (2):

Illumina Laboratory Services, Illumina
Classification: Benign for Megaloblastic anemia, thiamine-responsive, with diabetes mellitus and sensorineural deafness. Last evaluated: 2018-01-12. Review status: criteria provided, single submitter. Criteria: ICSL Variant Classification Criteria 13 December 2019. Collection method: clinical testing. Allele origin: germline.
Comment: This variant was observed in the ICSL laboratory as part of a predisposition screen in an ostensibly healthy population. It had not been previously curated by ICSL or reported in the Human Gene Mutation Database (HGMD: prior to June 1st, 2018), and was therefore a candidate for classification through an automated scoring system. Utilizing variant allele frequency, disease prevalence and penetrance estimates, and inheritance mode, an automated score was calculated to assess if this variant is too frequent to cause the disease. Based on the score and internal cut-off values, a variant classified as benign is not then subjected to further curation. The score for this variant resulted in a classification of benign for this disease.

Breakthrough Genomics
Classification: Benign. Review status: criteria provided, single submitter. Criteria: ACMG Guidelines, 2015. Collection method: not provided. Allele origin: germline. Inheritance: Autosomal recessive inheritance. Affected: yes.